The following is an entry in ClinVar:

ClinVar aggregate classification (germline): Uncertain significance (1 of 4 stars; one submission).

Conditions:
Muscle AMP deaminase deficiency (MMDD). Also called: Myoadenylate deaminase deficiency, myopathy due to; Adenosine monophosphate deaminase 1 deficiency; AMP deaminase 1 deficiency; Adenosine Monophosphate Deaminase 1; AMPD1 DEFICIENCY; ADENOSINE MONOPHOSPHATE DEAMINASE-1 DEFICIENCY, MYOPATHY DUE TO. Identifiers: Orphanet 45, MedGen C3714933, MONDO:0014220, OMIM 615511.

Submission:

Labcorp Genetics (formerly Invitae), Labcorp
Classification: Uncertain significance for Muscle AMP deaminase deficiency. Last evaluated: 2025-07-28. Review status: criteria provided, single submitter. Criteria: Invitae Variant Classification Sherloc (09022015). Collection method: clinical testing. Allele origin: germline.
Comment: This sequence change replaces isoleucine, which is neutral and non-polar, with serine, which is neutral and polar, at codon 79 of the AMPD1 protein (p.Ile79Ser). This variant is not present in population databases (gnomAD no frequency). This variant has not been reported in the literature in individuals affected with AMPD1-related conditions. ClinVar contains an entry for this variant (Variation ID: 2743333). An algorithm developed to predict the effect of missense changes on protein structure and function (PolyPhen-2) suggests that this variant is likely to be tolerated. In summary, the available evidence is currently insufficient to determine the role of this variant in disease. Therefore, it has been classified as a Variant of Uncertain Significance.

NM_000036.3(AMPD1):c.137T>G (p.Ile46Ser)

Gene: AMPD1 (adenosine monophosphate deaminase 1; minus strand). Cytogenetic location: 1p13.2.
Variant type: single nucleotide variant.
Coding change: c.137T>G on transcript NM_000036.3 (MANE Select); coding-DNA position 137, T replaced by G.
Protein change: p.Ile46Ser; replaces isoleucine 46 with serine.
Molecular consequence: missense variant.
Genome position (GRCh38, 1-based): chr1:114,688,639, A>C on the plus strand (T>G on the coding strand, the complement: AMPD1 is on the minus strand). VCF-style: chr1-114688639-A-C. GRCh37 (hg19) VCF-style: chr1-115231260-A-C.
Other names: c.125T>G, p.Ile42Ser (NM_001172626.2); short protein forms I42S, I46S.
Identifiers: ClinVar variation 2743333 (VCV002743333.3), dbSNP rs2526387187, ClinGen allele CA341733872.